The following is an entry in ClinVar:

ClinVar aggregate classification (germline): Likely benign (1 of 4 stars; one submission).

Conditions:
PKD1L1-related disorder. Also called: PKD1L1-related condition.

gnomAD v4.1: 20 of 1,613,320 alleles (0.0012%); highest among the groups gnomAD compares: South Asian, 0.0055%; no homozygotes.

Submission:

PreventionGenetics, part of Exact Sciences
Classification: Likely benign for PKD1L1-related condition. Last evaluated: 2026-05-17. Review status: criteria provided, single submitter. Criteria: ACMG Guidelines, 2015. Collection method: clinical testing. Allele origin: germline.
Comment: This variant is classified as likely benign based on ACMG/AMP sequence variant interpretation guidelines (Richards et al. 2015 PMID: 25741868, with internal and published modifications).

NM_138295.5(PKD1L1):c.3525G>A (p.Ser1175=)

Gene: PKD1L1 (polycystin 1 like 1, transient receptor potential channel interacting; minus strand). Cytogenetic location: 7p12.3.
Variant type: single nucleotide variant.
Coding change: c.3525G>A on transcript NM_138295.5 (MANE Select); coding-DNA position 3525, G replaced by A.
Protein change: p.Ser1175=; no amino-acid change (serine 1175 retained).
Molecular consequence: synonymous variant.
Genome position (GRCh38, 1-based): chr7:47,877,627, C>T on the plus strand (G>A on the coding strand, the complement: PKD1L1 is on the minus strand). VCF-style: chr7-47877627-C-T. GRCh37 (hg19) VCF-style: chr7-47917225-C-T.
Identifiers: ClinVar variation 4990784 (VCV004990784.1).
Genomic context (GRCh38, chr7:47,877,627, plus strand): 5'-GTCCCGAGGAGCCGGGTTGACTGTCAAGTACAGCTGAGCTTTACCCAGTAAGCCATGCTT[C>T]GAAGCTAAAGAGAAAGATGAAGCAGCGGTTTCACCCATGATGGAGAATTACAGCAGCATA-3'
Protein context (NP_612152.1, residues 1165-1185): ETYVLQVSVA[Ser1175=]KHGLLGKAQL